The following is an entry in ClinVar:

ClinVar aggregate classification (germline): Conflicting classifications of pathogenicity. Review status: criteria provided, conflicting classifications (1 of 4 stars). 2 submissions from 2 submitters: Uncertain significance (1); Likely benign (1). Last evaluated 2026-04-13.

Conditions:
Pyruvate dehydrogenase E1-alpha deficiency (PDHAD). Also called: ATAXIA, INTERMITTENT, WITH PYRUVATE DEHYDROGENASE DEFICIENCY; ATAXIA WITH LACTIC ACIDOSIS I; ATAXIA, INTERMITTENT, WITH ABNORMAL PYRUVATE METABOLISM; Ataxia, intermittent, with pyruvate dehydrogenase, or decarboxylase, deficiency. Identifiers: Orphanet 79243, MedGen C1839413, MONDO:0010717, OMIM 312170.

Submissions (2):

Dasa
Classification: Uncertain significance. Last evaluated: 2026-04-13. Review status: criteria provided, single submitter. Criteria: DASA Assertion Criteria. Collection method: clinical testing. Allele origin: germline.
Comment: NM_000284.4(PDHA1):c.760-8_760-5dup is a splice-region variant. This variant is rare in population databases. The currently available literature and clinical evidence are not sufficient to establish a definitive association between this variant and the reported condition. Therefore, this variant is classified as a variant of uncertain significance.

Labcorp Genetics (formerly Invitae), Labcorp
Classification: Likely benign for Pyruvate dehydrogenase E1-alpha deficiency. Last evaluated: 2023-09-15. Review status: criteria provided, single submitter. Criteria: Invitae Variant Classification Sherloc (09022015). Collection method: clinical testing. Allele origin: germline.

NM_000284.4(PDHA1):c.760-8_760-5dup

Gene: PDHA1 (pyruvate dehydrogenase E1 subunit alpha 1; plus strand). Cytogenetic location: Xp22.12.
Variant type: Duplication.
Coding change: c.760-8_760-5dup on transcript NM_000284.4 (MANE Select); 8 bases into the intron before coding-DNA position 760 through 5 bases into the intron before coding-DNA position 760, 4 bases duplicated (ATTA; older notation c.760-8_760-5dupATTA).
Molecular consequence: intron variant.
Genome position (GRCh38, 1-based): chrX:19,355,678-19,355,681, ATTA duplicated. VCF-style (leftmost placement, unchanged base first): chrX-19355677-T-TATTA. GRCh37 (hg19) VCF-style: chrX-19373795-T-TATTA.
Other names: c.874-8_874-5dup (NM_001173454.2); c.781-8_781-5dup (NM_001173455.2); c.667-8_667-5dup (NM_001173456.2).
Identifiers: ClinVar variation 2760834 (VCV002760834.5), dbSNP rs2518500391, ClinGen allele CA2697552880.